The following is an entry in ClinVar:

NM_001283009.2(RTEL1):c.3292G>C (p.Val1098Leu)

Genes: RTEL1 (regulator of telomere elongation helicase 1; plus strand), RTEL1-TNFRSF6B (RTEL1-TNFRSF6B readthrough (NMD candidate); plus strand). Cytogenetic location: 20q13.33.
Variant type: single nucleotide variant.
Coding change: c.3292G>C on transcript NM_001283009.2 (MANE Select); coding-DNA position 3292, G replaced by C.
Protein change: p.Val1098Leu; replaces valine 1098 with leucine.
Molecular consequence: missense variant. On other transcripts: non-coding transcript variant (1).
Genome position (GRCh38, 1-based): chr20:63,694,923, G>C. VCF-style: chr20-63694923-G-C. GRCh37 (hg19) VCF-style: chr20-62326276-G-C.
Other names: c.2623G>C, p.Val875Leu (NM_001283010.1); c.3292G>C, p.Val1098Leu (NM_016434.4); c.3364G>C, p.Val1122Leu (NM_032957.5); short protein forms V1098L, V1122L, V875L.
Identifiers: ClinVar variation 3237358 (VCV003237358.3), dbSNP rs1229098524.

ClinVar aggregate classification (germline): Uncertain significance. Review status: criteria provided, multiple submitters, no conflicts (2 of 4 stars). 2 submissions from 2 submitters: Uncertain significance (2). Last evaluated 2026-04-12.

Conditions:
Inborn genetic diseases. Identifiers: MedGen C0950123, MeSH D030342.
Pulmonary fibrosis and/or bone marrow failure, Telomere-related, 3. Also called: PULMONARY FIBROSIS AND/OR BONE MARROW FAILURE SYNDROME, TELOMERE-RELATED, 3. Identifiers: Orphanet 2032, MedGen C4225346, MONDO:0014613, OMIM 616373.

gnomAD v4.1: 1 of 1,612,642 alleles (0.000062%); highest among the groups gnomAD compares: South Asian, 0.0011%; no homozygotes.

Submissions (2):

Ambry Genetics
Classification: Uncertain significance for Inborn genetic diseases. Last evaluated: 2026-04-12. Review status: criteria provided, single submitter. Criteria: Ambry Variant Classification Scheme 2023. Collection method: clinical testing. Allele origin: germline.
Comment: The p.V1098L variant (also known as c.3292G>C), located in coding exon 31 of the RTEL1 gene, results from a G to C substitution at nucleotide position 3292. The valine at codon 1098 is replaced by leucine, an amino acid with highly similar properties. This amino acid position is conserved. In addition, the in silico prediction for this alteration is inconclusive. Based on the available evidence, the clinical significance of this variant remains unclear.

Dept. of Cytogenetics, ICMR- National Institute of Immunohaematology
Classification: Uncertain significance for Pulmonary fibrosis and/or bone marrow failure, Telomere-related, 3. Review status: criteria provided, single submitter. Criteria: ACMG Guidelines, 2015. Collection method: clinical testing. Allele origin: inherited. Affected: yes. Observed: 1 variant allele.